The following is an entry in ClinVar:

ClinVar aggregate classification (germline): Likely pathogenic (1 of 4 stars; one submission).

Submission:

Labcorp Genetics (formerly Invitae), Labcorp
Classification: Likely pathogenic. Last evaluated: 2026-01-11. Review status: criteria provided, single submitter. Criteria: Invitae Variant Classification Sherloc (09022015). Collection method: clinical testing. Allele origin: germline.
Comment: This sequence change affects a donor splice site in intron 20 of the VPS13A gene. It is expected to disrupt RNA splicing. Variants that disrupt the donor or acceptor splice site typically lead to a loss of protein function (PMID: 16199547), and loss-of-function variants in VPS13A are known to be pathogenic (PMID: 12404112, 21598378). This variant is not present in population databases (gnomAD no frequency). This variant has not been reported in the literature in individuals affected with VPS13A-related conditions. Algorithms developed to predict the effect of sequence changes on RNA splicing suggest that this variant may disrupt the consensus splice site. In summary, the currently available evidence indicates that the variant is pathogenic, but additional data are needed to prove that conclusively. Therefore, this variant has been classified as Likely Pathogenic.

Literature cited by the submitters: PubMed 16199547; PubMed 12404112; PubMed 21598378.

NM_033305.3(VPS13A):c.2037+1G>T

Gene: VPS13A (vacuolar protein sorting 13 homolog A; plus strand). Cytogenetic location: 9q21.2.
Variant type: single nucleotide variant.
Coding change: c.2037+1G>T on transcript NM_033305.3 (MANE Select); the canonical splice donor site of the intron after coding-DNA position 2037, G replaced by T.
Molecular consequence: splice donor variant.
Genome position (GRCh38, 1-based): chr9:77,247,396, G>T. VCF-style: chr9-77247396-G-T. GRCh37 (hg19) VCF-style: chr9-79862312-G-T.
Other names: c.2037+1G>T (NM_001018037.2, NM_015186.4, NM_001018038.3).
Identifiers: ClinVar variation 4735136 (VCV004735136.1).